The following is an entry in ClinVar:

ClinVar aggregate classification (germline): Uncertain significance (1 of 4 stars; one submission).

gnomAD v4.1: 2 of 1,614,088 alleles (0.00012%); highest among the groups gnomAD compares: East Asian, 0.0022%; no homozygotes.

Submission:

GeneDx
Classification: Uncertain significance. Last evaluated: 2024-07-15. Review status: criteria provided, single submitter. Criteria: GeneDx Variant Classification Process June 2021. Collection method: clinical testing. Allele origin: germline. Affected: yes.
Comment: Not observed at significant frequency in large population cohorts (gnomAD); In silico analysis supports that this missense variant has a deleterious effect on protein structure/function; Has not been previously published as pathogenic or benign to our knowledge

NM_015378.4(VPS13D):c.9965T>C (p.Leu3322Ser)

Gene: VPS13D (vacuolar protein sorting 13 homolog D; plus strand). Cytogenetic location: 1p36.22.
Variant type: single nucleotide variant.
Coding change: c.9965T>C on transcript NM_015378.4 (MANE Select); coding-DNA position 9965, T replaced by C.
Protein change: p.Leu3322Ser; replaces leucine 3322 with serine.
Molecular consequence: missense variant.
Genome position (GRCh38, 1-based): chr1:12,356,491, T>C. VCF-style: chr1-12356491-T-C. GRCh37 (hg19) VCF-style: chr1-12416548-T-C.
Other names: c.9890T>C, p.Leu3297Ser (NM_018156.4); short protein forms L3297S, L3322S.
Identifiers: ClinVar variation 3573660 (VCV003573660.1).